The following is an entry in ClinVar:

NM_004525.3(LRP2):c.13139del (p.Pro4380fs)

Gene: LRP2 (LDL receptor related protein 2; minus strand). Cytogenetic location: 2q31.1.
Variant type: Deletion.
Coding change: c.13139del on transcript NM_004525.3 (MANE Select); coding-DNA position 13139, one base deleted (C; older notation c.13139delC).
Protein change: p.Pro4380fs; shifts the reading frame from proline 4380.
Molecular consequence: frameshift variant.
Genome position (GRCh38, 1-based): chr2:169,140,515, G deleted on the plus strand (C on the coding strand, the reverse complement: LRP2 is on the minus strand); the first of 8 consecutive G bases (chr2:169,140,515-169,140,522); deleting any one gives the same sequence. VCF-style (leftmost placement, unchanged base first): chr2-169140514-TG-T. GRCh37 (hg19) VCF-style: chr2-169997024-TG-T.
Other names: short protein forms P4380fs.
Identifiers: ClinVar variation 211391 (VCV000211391.18), dbSNP rs80338754, ClinGen allele CA277054.

ClinVar aggregate classification (germline): Pathogenic/Likely pathogenic. Review status: criteria provided, multiple submitters, no conflicts (2 of 4 stars). 7 submissions from 7 submitters: Pathogenic (3); Likely pathogenic (4). Last evaluated 2026-01-02.

Conditions:
LRP2-related disorder. Also called: LRP2-related condition.
Donnai-Barrow syndrome. Also called: DBS/FOAR SYNDROME; FACIOOCULOACOUSTICORENAL SYNDROME. Identifiers: Orphanet 2143, MedGen C1857277, MONDO:0009104, OMIM 222448.

Submissions (7):

Myriad Genetics, Inc.
Classification: Pathogenic for Donnai-Barrow syndrome. Last evaluated: 2026-01-02. Review status: criteria provided, single submitter. Criteria: Myriad Autosomal Dominant, Autosomal Recessive and X-Linked Classification Criteria (2023). Collection method: clinical testing. Allele origin: unknown.
Comment: NM_004525.2(LRP2):c.13139delC(P4380Hfs*46) is a frameshift variant classified as pathogenic in the context of Donnai-Barrow syndrome. P4380Hfs*46 has not been observed in cases with relevant disease. Relevant functional assessments of this variant are not available in the literature. P4380Hfs*46 has been observed in referenced population frequency databases. In summary, NM_004525.2(LRP2):c.13139delC(P4380Hfs*46) is a frameshift variant in a gene where loss of function is a known mechanism of disease and is predicted to disrupt protein function. Please note: this variant was assessed in the context of healthy population screening.

Dasa
Classification: Pathogenic. Last evaluated: 2024-08-14. Review status: criteria provided, single submitter. Criteria: DASA Assertion Criteria. Collection method: clinical testing. Allele origin: germline.
Comment: NM_004525.3(LRP2):c.13139del (p.Pro4380Hisfs*46) introduces a premature termination codon predicted to result in loss of normal protein function. Loss-of-function is an established mechanism of disease for this gene. This variant has been reported in individuals with related phenotype. The variant is present at low frequency in population datasets. Based on the available data, this variant is classified as pathogenic.

Fulgent Genetics
Classification: Likely pathogenic for Donnai-Barrow syndrome. Last evaluated: 2024-03-27. Review status: criteria provided, single submitter. Criteria: ACMG Guidelines, 2015. Collection method: clinical testing. Allele origin: germline.

Labcorp Genetics (formerly Invitae), Labcorp
Classification: Pathogenic. Last evaluated: 2023-07-13. Review status: criteria provided, single submitter. Criteria: Invitae Variant Classification Sherloc (09022015). Collection method: clinical testing. Allele origin: germline.
Comment: For these reasons, this variant has been classified as Pathogenic. ClinVar contains an entry for this variant (Variation ID: 211391). This variant has not been reported in the literature in individuals affected with LRP2-related conditions. The frequency data for this variant in the population databases is considered unreliable, as metrics indicate poor data quality at this position in the gnomAD database. This sequence change creates a premature translational stop signal (p.Pro4380Hisfs*46) in the LRP2 gene. It is expected to result in an absent or disrupted protein product. Loss-of-function variants in LRP2 are known to be pathogenic (PMID: 17632512, 25682901).

Blueprint Genetics
Classification: Likely pathogenic for LRP2-related disorders. Last evaluated: 2021-10-08. Review status: criteria provided, single submitter. Criteria: ACMG Guidelines, 2015. Collection method: clinical testing. Allele origin: germline. Affected: yes. Observed: 1 variant allele.

Eurofins Ntd Llc (ga)
Classification: Likely pathogenic. Last evaluated: 2018-02-19. Review status: criteria provided, single submitter. Criteria: EGL ClinVar v180209 classification definitions. Collection method: clinical testing. Allele origin: germline. Observed: 1 variant allele, 1 heterozygote.

Genetic Services Laboratory, University of Chicago
Classification: Likely pathogenic for Donnai-Barrow syndrome. Last evaluated: 2015-04-01. Review status: criteria provided, single submitter. Criteria: ACMG Guidelines, 2015. Collection method: clinical testing. Allele origin: germline. Affected: yes.

Literature cited by the submitters: PubMed 17632512 (cited by Labcorp Genetics (formerly Invitae), Labcorp); PubMed 25682901 (cited by Labcorp Genetics (formerly Invitae), Labcorp).